The following is an entry in ClinVar:

ClinVar aggregate classification (germline): Uncertain significance. Review status: criteria provided, multiple submitters, no conflicts (2 of 4 stars). 2 submissions from 2 submitters: Uncertain significance (2). Last evaluated 2024-03-25.

Conditions:
Inborn genetic diseases. Identifiers: MedGen C0950123, MeSH D030342.

Allele frequency attached by ClinVar (database versions not stated): TOPMed below 0.00001; gnomAD 0.00001.
gnomAD v4.1: 7 of 1,604,194 alleles (0.00044%); highest among the groups gnomAD compares: East Asian, 0.013%; no homozygotes.

Submissions (2):

Ambry Genetics
Classification: Uncertain significance for Inborn genetic diseases. Last evaluated: 2024-03-25. Review status: criteria provided, single submitter. Criteria: Ambry Variant Classification Scheme 2023. Collection method: clinical testing. Allele origin: germline.

Labcorp Genetics (formerly Invitae), Labcorp
Classification: Uncertain significance. Last evaluated: 2024-02-24. Review status: criteria provided, single submitter. Criteria: Invitae Variant Classification Sherloc (09022015). Collection method: clinical testing. Allele origin: germline.
Comment: This sequence change replaces alanine, which is neutral and non-polar, with serine, which is neutral and polar, at codon 13 of the ARL3 protein (p.Ala13Ser). This variant is present in population databases (no rsID available, gnomAD 0.02%). This variant has not been reported in the literature in individuals affected with ARL3-related conditions. ClinVar contains an entry for this variant (Variation ID: 1999412). An algorithm developed to predict the effect of missense changes on protein structure and function (PolyPhen-2) suggests that this variant is likely to be tolerated. In summary, the available evidence is currently insufficient to determine the role of this variant in disease. Therefore, it has been classified as a Variant of Uncertain Significance.

NM_004311.4(ARL3):c.37G>T (p.Ala13Ser)

Gene: ARL3 (ARF like GTPase 3; minus strand). Cytogenetic location: 10q24.32.
Variant type: single nucleotide variant.
Coding change: c.37G>T on transcript NM_004311.4 (MANE Select); coding-DNA position 37, G replaced by T.
Protein change: p.Ala13Ser; replaces alanine 13 with serine.
Molecular consequence: missense variant.
Genome position (GRCh38, 1-based): chr10:102,705,456, C>A on the plus strand (G>T on the coding strand, the complement: ARL3 is on the minus strand). VCF-style: chr10-102705456-C-A. GRCh37 (hg19) VCF-style: chr10-104465213-C-A.
Other names: c.37G>T (NM_004311.3); short protein forms A13S.
Identifiers: ClinVar variation 1999412 (VCV001999412.5), dbSNP rs1466539435, ClinGen allele CA377923921.